The following is an entry in ClinVar:

ClinVar aggregate classification (germline): Uncertain significance (1 of 4 stars; one submission).

Submission:

Dasa
Classification: Uncertain significance. Last evaluated: 2024-11-01. Review status: criteria provided, single submitter. Criteria: DASA Assertion Criteria. Collection method: clinical testing. Allele origin: germline.
Comment: NM_000088.4(COL1A1):c.1460G>T (p.Arg487Leu) is a missense variant that results in the substitution of arginine with leucine. This variant is absent from population databases. Computational prediction algorithms are consistent with a deleterious effect. The currently available literature and clinical evidence are not sufficient to establish a definitive association between this variant and the reported condition. Therefore, this variant is classified as a variant of uncertain significance.

NM_000088.4(COL1A1):c.1460G>T (p.Arg487Leu)

Gene: COL1A1 (collagen type I alpha 1 chain; minus strand). Cytogenetic location: 17q21.33.
Variant type: single nucleotide variant.
Coding change: c.1460G>T on transcript NM_000088.4 (MANE Select); coding-DNA position 1460, G replaced by T.
Protein change: p.Arg487Leu; replaces arginine 487 with leucine.
Molecular consequence: missense variant.
Genome position (GRCh38, 1-based): chr17:50,194,722, C>A on the plus strand (G>T on the coding strand, the complement: COL1A1 is on the minus strand). VCF-style: chr17-50194722-C-A. GRCh37 (hg19) VCF-style: chr17-48272083-C-A.
Other names: short protein forms R487L.
Identifiers: ClinVar variation 4885994 (VCV004885994.2).